The following is an entry in ClinVar:

NM_024334.3(TMEM43):c.574C>G (p.Leu192Val)

Gene: TMEM43 (transmembrane protein 43; plus strand). Cytogenetic location: 3p25.1.
Variant type: single nucleotide variant.
Coding change: c.574C>G on transcript NM_024334.3 (MANE Select); coding-DNA position 574, C replaced by G.
Protein change: p.Leu192Val; replaces leucine 192 with valine.
Molecular consequence: missense variant.
Genome position (GRCh38, 1-based): chr3:14,133,800, C>G. VCF-style: chr3-14133800-C-G. GRCh37 (hg19) VCF-style: chr3-14175300-C-G.
Other names: c.577C>G, p.Leu193Val (NM_001407274.1); c.574C>G, p.Leu192Val (NM_001407275.1, NM_001407276.1, NM_001407277.1 and 1 more transcripts); c.559C>G, p.Leu187Val (NM_001407278.1); c.424C>G, p.Leu142Val (NM_001407280.1); short protein forms L142V, L187V, L192V, L193V.
Identifiers: ClinVar variation 4757488 (VCV004757488.1).

ClinVar aggregate classification (germline): Uncertain significance (1 of 4 stars; one submission).

Conditions:
Cardiomyopathy (CMYO). Also called: Cardiomyopathies. Identifiers: Orphanet 167848, MedGen C0878544, MONDO:0004994, HP:0001638. Inheritance: Various modes of inheritance.

Submission:

Color Diagnostics, LLC DBA Color Health
Classification: Uncertain significance for Cardiomyopathy. Last evaluated: 2025-06-30. Review status: criteria provided, single submitter. Criteria: ACMG Guidelines, 2015. Collection method: clinical testing. Allele origin: germline.
Comment: This missense variant replaces leucine with valine at codon 192 of the TMEM43 protein. Computational prediction suggests that this variant may not impact protein structure and function. To our knowledge, functional studies have not been reported for this variant. This variant has not been reported in individuals affected with TMEM43-related disorders in the literature. This variant has not been identified in the general population by the Genome Aggregation Database (gnomAD). The available evidence is insufficient to determine the role of this variant in disease conclusively. Therefore, this variant is classified as a Variant of Uncertain Significance.